The following is an entry in ClinVar:

NM_000260.4(MYO7A):c.4303G>A (p.Ala1435Thr)

Gene: MYO7A (myosin VIIA; plus strand). Cytogenetic location: 11q13.5.
Variant type: single nucleotide variant.
Coding change: c.4303G>A on transcript NM_000260.4 (MANE Select); coding-DNA position 4303, G replaced by A.
Protein change: p.Ala1435Thr; replaces alanine 1435 with threonine.
Molecular consequence: missense variant.
Genome position (GRCh38, 1-based): chr11:77,194,504, G>A. VCF-style: chr11-77194504-G-A. GRCh37 (hg19) VCF-style: chr11-76905549-G-A.
Other names: c.4303G>A, p.Ala1435Thr (NM_001127180.2); c.4270G>A, p.Ala1424Thr (NM_001369365.1); short protein forms A1424T, A1435T.
Identifiers: ClinVar variation 3906591 (VCV003906591.1).

ClinVar aggregate classification (germline): Uncertain significance (1 of 4 stars; one submission).

Submission:

GeneDx
Classification: Uncertain significance. Last evaluated: 2024-12-17. Review status: criteria provided, single submitter. Criteria: GeneDx Variant Classification Process June 2021. Collection method: clinical testing. Allele origin: germline. Affected: yes.
Comment: Not observed at significant frequency in large population cohorts (gnomAD); In silico analysis indicates that this missense variant does not alter protein structure/function; Has not been previously published as pathogenic or benign to our knowledge